The following is an entry in ClinVar:

NM_000091.5(COL4A3):c.3362T>A (p.Leu1121Ter)

Genes: MFF-DT (MFF divergent transcript; minus strand), COL4A3 (collagen type IV alpha 3 chain; plus strand). Cytogenetic location: 2q36.3.
Variant type: single nucleotide variant.
Coding change: c.3362T>A on transcript NM_000091.5 (MANE Select); coding-DNA position 3362, T replaced by A.
Protein change: p.Leu1121Ter; replaces leucine 1121 with a stop codon.
Molecular consequence: nonsense.
Genome position (GRCh38, 1-based): chr2:227,294,514, T>A. VCF-style: chr2-227294514-T-A. GRCh37 (hg19) VCF-style: chr2-228159230-T-A.
Other names: short protein forms L1121*.
Identifiers: ClinVar variation 983595 (VCV000983595.3), dbSNP rs2072936269, ClinGen allele CA350858532.

ClinVar aggregate classification (germline): Likely pathogenic (1 of 4 stars; one submission).

Conditions:
Autosomal recessive Alport syndrome (ATS2). Also called: ALPORT SYNDROME 2, AUTOSOMAL RECESSIVE; Alport syndrome type 2; COL4A4 Alport Syndrome and Thin Basement Membrane Nephropathy; COL4A3-Related Nephropathy. Identifiers: Orphanet 63, Orphanet 88919, MedGen C4746745, MONDO:0008762, OMIM 203780.

Submission:

Myriad Genetics, Inc.
Classification: Likely pathogenic for Autosomal recessive Alport syndrome. Last evaluated: 2019-04-26. Review status: criteria provided, single submitter. Criteria: Myriad Women's Health Autosomal Recessive and X-Linked Classification Criteria (2019). Collection method: clinical testing. Allele origin: unknown.
Comment: NM_000091.4(COL4A3):c.3362T>A(L1121*) is expected to be pathogenic in the context of COL4A3-related Alport syndrome. This variant is predicted to lead to an abnormal or absent protein product due to the creation of a premature termination codon in COL4A3, a gene where loss-of-function variants are known to be pathogenic. Please note: this variant was assessed in the context of healthy population screening.